The following is an entry in ClinVar:

NM_000127.3(EXT1):c.1660G>T (p.Asp554Tyr)

Gene: EXT1 (exostosin glycosyltransferase 1; minus strand). Cytogenetic location: 8q24.11.
Variant type: single nucleotide variant.
Coding change: c.1660G>T on transcript NM_000127.3 (MANE Select); coding-DNA position 1660, G replaced by T.
Protein change: p.Asp554Tyr; replaces aspartic acid 554 with tyrosine.
Molecular consequence: missense variant.
Genome position (GRCh38, 1-based): chr8:117,812,934, C>A on the plus strand (G>T on the coding strand, the complement: EXT1 is on the minus strand). VCF-style: chr8-117812934-C-A. GRCh37 (hg19) VCF-style: chr8-118825173-C-A.
Other names: short protein forms D554Y.
Identifiers: ClinVar variation 1403752 (VCV001403752.6), dbSNP rs751582814, ClinGen allele CA4854055.

ClinVar aggregate classification (germline): Uncertain significance (1 of 4 stars; one submission).

Conditions:
Multiple congenital exostosis (EXT). Also called: Multiple osteochondromas; MULTIPLE CARTILAGINOUS EXOSTOSES; Multiple exostoses; Hereditary multiple exostoses; Hereditary multiple exostosis; Hereditary multiple osteochondromas. Identifiers: Orphanet 321, MedGen C0015306, MONDO:0005508, HP:0002762.

Allele frequency attached by ClinVar (database versions not stated): ExAC 0.00024.
gnomAD v4.1: 90 of 1,613,630 alleles (0.0056%); highest among the groups gnomAD compares: Non-Finnish European, 0.0051%; 1 homozygote.

Submission:

Labcorp Genetics (formerly Invitae), Labcorp
Classification: Uncertain significance for Multiple congenital exostosis. Last evaluated: 2024-04-10. Review status: criteria provided, single submitter. Criteria: Invitae Variant Classification Sherloc (09022015). Collection method: clinical testing. Allele origin: germline.
Comment: This sequence change replaces aspartic acid, which is acidic and polar, with tyrosine, which is neutral and polar, at codon 554 of the EXT1 protein (p.Asp554Tyr). This variant is present in population databases (rs751582814, gnomAD 0.04%), and has an allele count higher than expected for a pathogenic variant. This variant has not been reported in the literature in individuals affected with EXT1-related conditions. ClinVar contains an entry for this variant (Variation ID: 1403752). Advanced modeling of protein sequence and biophysical properties (such as structural, functional, and spatial information, amino acid conservation, physicochemical variation, residue mobility, and thermodynamic stability) performed at Invitae indicates that this missense variant is not expected to disrupt EXT1 protein function with a negative predictive value of 80%. In summary, the available evidence is currently insufficient to determine the role of this variant in disease. Therefore, it has been classified as a Variant of Uncertain Significance.